The following is an entry in ClinVar:

ClinVar aggregate classification (germline): Uncertain significance. Review status: criteria provided, multiple submitters, no conflicts (2 of 4 stars). 2 submissions from 2 submitters: Uncertain significance (2). Last evaluated 2024-11-09.

Conditions:
Gastrointestinal stromal tumor. Also called: Gastrointestinal stromal tumor, somatic; Gastrointestinal stroma tumor. Identifiers: Orphanet 44890, MedGen C0238198, MeSH D046152, MONDO:0011719, OMIM 606764, HP:0100723.
Hereditary cancer-predisposing syndrome. Also called: Neoplastic Syndromes, Hereditary; Tumor predisposition; Hereditary Cancer Syndrome; Hereditary neoplastic syndrome. Identifiers: Orphanet 140162, MedGen C0027672, MeSH D009386, MONDO:0015356.

gnomAD v4.1: 11 of 1,613,256 alleles (0.00068%); highest among the groups gnomAD compares: Non-Finnish European, 0.00093%; no homozygotes.

Submissions (2):

Ambry Genetics
Classification: Uncertain significance for Hereditary cancer-predisposing syndrome. Last evaluated: 2024-11-09. Review status: criteria provided, single submitter. Criteria: Ambry Variant Classification Scheme 2023. Collection method: clinical testing. Allele origin: germline.
Comment: The p.A781T variant (also known as c.2341G>A), located in coding exon 16 of the KIT gene, results from a G to A substitution at nucleotide position 2341. The alanine at codon 781 is replaced by threonine, an amino acid with similar properties. This amino acid position is conserved. In addition, this alteration is predicted to be tolerated by in silico analysis. Based on the available evidence, the clinical significance of this variant remains unclear.

Labcorp Genetics (formerly Invitae), Labcorp
Classification: Uncertain significance for Gastrointestinal stromal tumor. Last evaluated: 2024-11-03. Review status: criteria provided, single submitter. Criteria: Invitae Variant Classification Sherloc (09022015). Collection method: clinical testing. Allele origin: germline.
Comment: This sequence change replaces alanine, which is neutral and non-polar, with threonine, which is neutral and polar, at codon 781 of the KIT protein (p.Ala781Thr). This variant is not present in population databases (gnomAD no frequency). This variant has not been reported in the literature in individuals affected with KIT-related conditions. An algorithm developed to predict the effect of missense changes on protein structure and function (PolyPhen-2) suggests that this variant is likely to be disruptive. In summary, the available evidence is currently insufficient to determine the role of this variant in disease. Therefore, it has been classified as a Variant of Uncertain Significance.

NM_000222.3(KIT):c.2341G>A (p.Ala781Thr)

Gene: KIT (KIT proto-oncogene, receptor tyrosine kinase; plus strand). Cytogenetic location: 4q12.
Variant type: single nucleotide variant.
Coding change: c.2341G>A on transcript NM_000222.3 (MANE Select); coding-DNA position 2341, G replaced by A.
Protein change: p.Ala781Thr; replaces alanine 781 with threonine.
Molecular consequence: missense variant.
Genome position (GRCh38, 1-based): chr4:54,731,978, G>A. VCF-style: chr4-54731978-G-A. GRCh37 (hg19) VCF-style: chr4-55598144-G-A.
Other names: c.2329G>A, p.Ala777Thr (NM_001093772.2, NM_001385292.1); c.2344G>A, p.Ala782Thr (NM_001385284.1); c.2338G>A, p.Ala780Thr (NM_001385285.1); c.2326G>A, p.Ala776Thr (NM_001385286.1); c.2332G>A, p.Ala778Thr (NM_001385288.1); c.2341G>A, p.Ala781Thr (NM_001385290.1); short protein forms A778T, A776T, A780T, A782T, A777T, A781T.
Identifiers: ClinVar variation 3534731 (VCV003534731.3).